The following is an entry in ClinVar:

NM_000059.4(BRCA2):c.2179T>C (p.Ser727Pro)

Gene: BRCA2 (BRCA2 DNA repair associated; plus strand). Cytogenetic location: 13q13.1.
Variant type: single nucleotide variant.
Coding change: c.2179T>C on transcript NM_000059.4 (MANE Select); coding-DNA position 2179, T replaced by C.
Protein change: p.Ser727Pro; replaces serine 727 with proline.
Molecular consequence: missense variant.
Genome position (GRCh38, 1-based): chr13:32,336,534, T>C. VCF-style: chr13-32336534-T-C. GRCh37 (hg19) VCF-style: chr13-32910671-T-C.
Other names: c.2179T>C, p.Ser727Pro (NM_001406719.1, NM_001406720.1); short protein forms S727P.
Identifiers: ClinVar variation 1787229 (VCV001787229.9), dbSNP rs2137483967, ClinGen allele CA387770351.

ClinVar aggregate classification (germline): Conflicting classifications of pathogenicity. Review status: criteria provided, conflicting classifications (1 of 4 stars). 3 submissions from 3 submitters: Uncertain significance (2); Likely benign (1). Last evaluated 2023-03-23.

Conditions:
Hereditary cancer-predisposing syndrome. Also called: Neoplastic Syndromes, Hereditary; Tumor predisposition; Hereditary Cancer Syndrome; Hereditary neoplastic syndrome. Identifiers: Orphanet 140162, MedGen C0027672, MeSH D009386, MONDO:0015356.
Hereditary breast ovarian cancer syndrome. Also called: Hereditary breast and ovarian cancer; Hereditary breast and ovarian cancer syndrome (HBOC); Hereditary breast and ovarian cancer syndrome; Breast and ovarian cancer; Hereditary breast and/or ovarian cancer syndrome; BRCA1- and BRCA2-Associated Hereditary Breast and Ovarian Cancer. Identifiers: Orphanet 145, MedGen C0677776, MeSH D061325, MONDO:0003582. Disease mechanism: loss of function.

Submissions (3):

University of Washington Department of Laboratory Medicine, University of Washington
Classification: Likely benign for Hereditary cancer-predisposing syndrome. Last evaluated: 2023-03-23. Review status: criteria provided, single submitter. Criteria: Dines et al. (Genet Med. 2020). Collection method: curation. Allele origin: germline.
Comment: Missense variant in a coldspot region where missense variants are very unlikely to be pathogenic (PMID:31911673).

BRCA2 exon 11 coldspot. Reclassification based on statistical prior probability.

Ambry Genetics
Classification: Uncertain significance for Hereditary cancer-predisposing syndrome. Last evaluated: 2022-10-20. Review status: criteria provided, single submitter. Criteria: Ambry Variant Classification Scheme 2023. Collection method: clinical testing. Allele origin: germline.
Comment: The p.S727P variant (also known as c.2179T>C), located in coding exon 10 of the BRCA2 gene, results from a T to C substitution at nucleotide position 2179. The serine at codon 727 is replaced by proline, an amino acid with similar properties. This amino acid position is conserved. In addition, the in silico prediction for this alteration is inconclusive. Since supporting evidence is limited at this time, the clinical significance of this alteration remains unclear.

Labcorp Genetics (formerly Invitae), Labcorp
Classification: Uncertain significance for Hereditary breast ovarian cancer syndrome. Last evaluated: 2022-01-31. Review status: criteria provided, single submitter. Criteria: Invitae Variant Classification Sherloc (09022015). Collection method: clinical testing. Allele origin: germline.
Comment: In summary, the available evidence is currently insufficient to determine the role of this variant in disease. Therefore, it has been classified as a Variant of Uncertain Significance. Advanced modeling of protein sequence and biophysical properties (such as structural, functional, and spatial information, amino acid conservation, physicochemical variation, residue mobility, and thermodynamic stability) performed at Invitae indicates that this missense variant is not expected to disrupt BRCA2 protein function. This variant has not been reported in the literature in individuals affected with BRCA2-related conditions. This variant is not present in population databases (gnomAD no frequency). This sequence change replaces serine, which is neutral and polar, with proline, which is neutral and non-polar, at codon 727 of the BRCA2 protein (p.Ser727Pro).